The following is an entry in ClinVar:

ClinVar aggregate classification (germline): Uncertain significance (1 of 4 stars; one submission).

Conditions:
Deficiency of alpha-mannosidase (MANSA). Also called: Mannosidosis, alpha-, types I and II; Alpha-Mannosidosis; LYSOSOMAL ALPHA-D-MANNOSIDASE DEFICIENCY. Identifiers: Orphanet 61, MedGen C0024748, MONDO:0009561, OMIM 248500.

Submission:

Labcorp Genetics (formerly Invitae), Labcorp
Classification: Uncertain significance for Deficiency of alpha-mannosidase. Last evaluated: 2024-02-26. Review status: criteria provided, single submitter. Criteria: Invitae Variant Classification Sherloc (09022015). Collection method: clinical testing. Allele origin: germline.
Comment: This variant, c.1739_1741del, results in the deletion of 1 amino acid(s) of the MAN2B1 protein (p.Val580del), but otherwise preserves the integrity of the reading frame. This variant is not present in population databases (gnomAD no frequency). This variant has not been reported in the literature in individuals affected with MAN2B1-related conditions. ClinVar contains an entry for this variant (Variation ID: 2128211). Experimental studies and prediction algorithms are not available or were not evaluated, and the functional significance of this variant is currently unknown. In summary, the available evidence is currently insufficient to determine the role of this variant in disease. Therefore, it has been classified as a Variant of Uncertain Significance.

NM_000528.4(MAN2B1):c.1739_1741del (p.Val580del)

Gene: MAN2B1 (mannosidase alpha class 2B member 1; minus strand). Cytogenetic location: 19p13.13.
Variant type: Deletion.
Coding change: c.1739_1741del on transcript NM_000528.4 (MANE Select); coding-DNA positions 1739 to 1741, 3 bases deleted (TAG; older notation c.1739_1741delTAG).
Protein change: p.Val580del; deletes valine 580.
Molecular consequence: inframe deletion.
Genome position (GRCh38, 1-based): chr19:12,655,783-12,655,785, CTA deleted on the plus strand (TAG on the coding strand, the reverse complement: MAN2B1 is on the minus strand); deleting any 3 consecutive bases within chr19:12,655,783-12,655,787 gives the same sequence; the c. name uses the placement nearest the transcript's 3' end. VCF-style (leftmost placement, unchanged base first): chr19-12655782-GCTA-G. GRCh37 (hg19) VCF-style: chr19-12766596-GCTA-G.
Other names: c.1736_1738del, p.Val579del (NM_001173498.2); short protein forms V579del, V580del.
Identifiers: ClinVar variation 2128211 (VCV002128211.4), dbSNP rs2512497612, ClinGen allele CA2580096475.
Genomic context (GRCh38, chr19:12,655,782, plus strand): 5'-CAGGATCTTCTGGGGATGGGCTGTGGTGCGCGGGCCTGGGGCTTCCAGCGAGGCACCTGG[GCTA>G]CTGAATAGGTGCTGAAGCCCAGGGCGGGCAGTGAGGCTGAGAACAGCAGCTCCGGAGGGT-3'